The following is an entry in ClinVar:

ClinVar aggregate classification (germline): Likely benign. Review status: criteria provided, multiple submitters, no conflicts (2 of 4 stars). 3 submissions from 3 submitters: Likely benign (3). Last evaluated 2025-02-26.

Conditions:
Cardiac arrhythmia. Also called: Arrhythmia; Cardiac rhythm disease. Identifiers: MedGen C0003811, MONDO:0007263, HP:0011675.
Long QT syndrome (LQTS). Identifiers: MedGen C0023976, MeSH D008133, MONDO:0002442. Disease mechanism: loss of function. Inheritance: Various modes of inheritance.

Allele frequency attached by ClinVar (database versions not stated): gnomAD 0.00001; TOPMed 0.00001; gnomAD exomes below 0.00001.
gnomAD v4.1: 4 of 1,574,688 alleles (0.00025%); highest among the groups gnomAD compares: Admixed American, 0.0034%; no homozygotes.

Submissions (3):

Labcorp Genetics (formerly Invitae), Labcorp
Classification: Likely benign for Long QT syndrome. Last evaluated: 2025-02-26. Review status: criteria provided, single submitter. Criteria: Invitae Variant Classification Sherloc (09022015). Collection method: clinical testing. Allele origin: germline.

All of Us Research Program, National Institutes of Health
Classification: Likely benign for Long QT syndrome. Last evaluated: 2023-09-17. Review status: criteria provided, single submitter. Criteria: ACMG Guidelines, 2015. Collection method: clinical testing. Allele origin: germline. Inheritance: Autosomal dominant inheritance. Observed: 1 variant allele, 1 heterozygote.
Comment: This study involves interpretation of variants in research participants for the purpose of population health screening. Participant phenotype was not available at the time of variant classification. Additional details can be found in publication PMID: 35346344, PMCID: PMC8962531

Color Diagnostics, LLC DBA Color Health
Classification: Likely benign for Arrhythmia. Last evaluated: 2019-10-09. Review status: criteria provided, single submitter. Criteria: ACMG Guidelines, 2015. Collection method: clinical testing. Allele origin: germline.

NM_000238.4(KCNH2):c.27G>T (p.Ala9=)

Gene: KCNH2 (potassium voltage-gated channel subfamily H member 2; minus strand). Cytogenetic location: 7q36.1.
Variant type: single nucleotide variant.
Coding change: c.27G>T on transcript NM_000238.4 (MANE Select); coding-DNA position 27, G replaced by T.
Protein change: p.Ala9=; no amino-acid change (alanine 9 retained).
Molecular consequence: synonymous variant. On other transcripts: non-coding transcript variant (1).
Genome position (GRCh38, 1-based): chr7:150,977,887, C>A on the plus strand (G>T on the coding strand, the complement: KCNH2 is on the minus strand). VCF-style: chr7-150977887-C-A. GRCh37 (hg19) VCF-style: chr7-150674975-C-A.
Other names: c.27G>T, p.Ala9= (NM_172056.3).
Identifiers: ClinVar variation 215663 (VCV000215663.17), dbSNP rs863224336, ClinGen allele CA338375.